The following is an entry in ClinVar:

NM_001128840.3(CACNA1D):c.6029A>G (p.Asp2010Gly)

Gene: CACNA1D (calcium voltage-gated channel subunit alpha1 D; plus strand). Cytogenetic location: 3p21.1.
Variant type: single nucleotide variant.
Coding change: c.6029A>G on transcript NM_001128840.3 (MANE Select); coding-DNA position 6029, A replaced by G.
Protein change: p.Asp2010Gly; replaces aspartic acid 2010 with glycine.
Molecular consequence: missense variant.
Genome position (GRCh38, 1-based): chr3:53,810,135, A>G. VCF-style: chr3-53810135-A-G. GRCh37 (hg19) VCF-style: chr3-53844162-A-G.
Other names: c.6089A>G, p.Asp2030Gly (NM_000720.4); c.5957A>G, p.Asp1986Gly (NM_001128839.3); short protein forms D1986G, D2010G, D2030G.
Identifiers: ClinVar variation 4686260 (VCV004686260.1).

ClinVar aggregate classification (germline): Uncertain significance (1 of 4 stars; one submission).

Submission:

GeneDx
Classification: Uncertain significance. Last evaluated: 2025-07-15. Review status: criteria provided, single submitter. Criteria: GeneDx Variant Classification Process June 2021. Collection method: clinical testing. Allele origin: germline. Affected: yes.
Comment: Not observed at significant frequency in large population cohorts (gnomAD); In silico analysis supports that this missense variant has a deleterious effect on protein structure/function; Has not been previously published as pathogenic or benign to our knowledge